The following is an entry in ClinVar:

ClinVar aggregate classification (germline): Uncertain significance (1 of 4 stars; one submission).

Conditions:
Hereditary insensitivity to pain with anhidrosis (CIPA). Also called: NTRK1 Congenital Insensitivity to Pain with Anhidrosis; INSENSITIVITY TO PAIN, CONGENITAL, WITH ANHIDROSIS; NEUROPATHY, CONGENITAL SENSORY, WITH ANHIDROSIS; HSAN Type IV; FAMILIAL DYSAUTONOMIA, TYPE II; hereditary sensory and autonomic neuropathy type 4. Identifiers: Orphanet 642, MedGen C0020074, MONDO:0009746, OMIM 256800.

Submission:

Labcorp Genetics (formerly Invitae), Labcorp
Classification: Uncertain significance for Hereditary insensitivity to pain with anhidrosis. Last evaluated: 2024-05-23. Review status: criteria provided, single submitter. Criteria: Invitae Variant Classification Sherloc (09022015). Collection method: clinical testing. Allele origin: germline.
Comment: This sequence change replaces cysteine, which is neutral and slightly polar, with arginine, which is basic and polar, at codon 300 of the NTRK1 protein (p.Cys300Arg). This variant is not present in population databases (gnomAD no frequency). This variant has not been reported in the literature in individuals affected with NTRK1-related conditions. Advanced modeling of protein sequence and biophysical properties (such as structural, functional, and spatial information, amino acid conservation, physicochemical variation, residue mobility, and thermodynamic stability) has been performed at Invitae for this missense variant, however the output from this modeling did not meet the statistical confidence thresholds required to predict the impact of this variant on NTRK1 protein function. In summary, the available evidence is currently insufficient to determine the role of this variant in disease. Therefore, it has been classified as a Variant of Uncertain Significance.

NM_002529.4(NTRK1):c.898T>C (p.Cys300Arg)

Gene: NTRK1 (neurotrophic receptor tyrosine kinase 1; plus strand). Cytogenetic location: 1q23.1.
Variant type: single nucleotide variant.
Coding change: c.898T>C on transcript NM_002529.4 (MANE Select); coding-DNA position 898, T replaced by C.
Protein change: p.Cys300Arg; replaces cysteine 300 with arginine.
Molecular consequence: missense variant.
Genome position (GRCh38, 1-based): chr1:156,873,680, T>C. VCF-style: chr1-156873680-T-C. GRCh37 (hg19) VCF-style: chr1-156843472-T-C.
Other names: c.808T>C, p.Cys270Arg (NM_001007792.1); c.898T>C, p.Cys300Arg (NM_001012331.2); short protein forms C300R, C270R.
Identifiers: ClinVar variation 3692367 (VCV003692367.2).